The following is an entry in ClinVar:

NM_001364905.1(LRBA):c.4996G>A (p.Ala1666Thr)

Gene: LRBA (LPS responsive beige-like anchor protein; minus strand). Cytogenetic location: 4q31.3.
Variant type: single nucleotide variant.
Coding change: c.4996G>A on transcript NM_001364905.1 (MANE Select); coding-DNA position 4996, G replaced by A.
Protein change: p.Ala1666Thr; replaces alanine 1666 with threonine.
Molecular consequence: missense variant.
Genome position (GRCh38, 1-based): chr4:150,828,355, C>T on the plus strand (G>A on the coding strand, the complement: LRBA is on the minus strand). VCF-style: chr4-150828355-C-T. GRCh37 (hg19) VCF-style: chr4-151749507-C-T.
Other names: c.4996G>A, p.Ala1666Thr (NM_001199282.3, NM_001367550.1, NM_006726.5); short protein forms A1666T.
Identifiers: ClinVar variation 1000973 (VCV001000973.9), dbSNP rs757002725, ClinGen allele CA3102606.

ClinVar aggregate classification (germline): Uncertain significance. Review status: criteria provided, multiple submitters, no conflicts (2 of 4 stars). 2 submissions from 2 submitters: Uncertain significance (2). Last evaluated 2024-04-05.

Conditions:
Combined immunodeficiency due to LRBA deficiency. Also called: Common variable immunodeficiency 8, with autoimmunity. Identifiers: Orphanet 445018, MedGen C3553512, MONDO:0013863, OMIM 614700.

Allele frequency attached by ClinVar (database versions not stated): ExAC 0.00001; TOPMed 0.00001.
gnomAD v4.1: 7 of 1,613,946 alleles (0.00043%); highest among the groups gnomAD compares: Non-Finnish European, 0.00059%; no homozygotes.

Submissions (2):

Blueprint Genetics
Classification: Uncertain significance. Last evaluated: 2024-04-05. Review status: criteria provided, single submitter. Criteria: ACMG Guidelines, 2015. Collection method: clinical testing. Allele origin: germline.

Labcorp Genetics (formerly Invitae), Labcorp
Classification: Uncertain significance for Combined immunodeficiency due to LRBA deficiency. Last evaluated: 2020-06-16. Review status: criteria provided, single submitter. Criteria: Invitae Variant Classification Sherloc (09022015). Collection method: clinical testing. Allele origin: germline.
Comment: In summary, the available evidence is currently insufficient to determine the role of this variant in disease. Therefore, it has been classified as a Variant of Uncertain Significance. Algorithms developed to predict the effect of missense changes on protein structure and function output the following: SIFT: "Tolerated"; PolyPhen-2: "Benign"; Align-GVGD: "Class C0". The threonine amino acid residue is found in multiple mammalian species, suggesting that this missense change does not adversely affect protein function. These predictions have not been confirmed by published functional studies and their clinical significance is uncertain. This variant has not been reported in the literature in individuals with LRBA-related conditions. This variant is present in population databases (rs757002725, ExAC 0.001%). This sequence change replaces alanine with threonine at codon 1666 of the LRBA protein (p.Ala1666Thr). The alanine residue is weakly conserved and there is a small physicochemical difference between alanine and threonine.